The following is an entry in ClinVar:

NM_020778.5(ALPK3):c.3491G>T (p.Arg1164Leu)

Gene: ALPK3 (alpha kinase 3; plus strand). Cytogenetic location: 15q25.3.
Variant type: single nucleotide variant.
Coding change: c.3491G>T on transcript NM_020778.5 (MANE Select); coding-DNA position 3491, G replaced by T.
Protein change: p.Arg1164Leu; replaces arginine 1164 with leucine.
Molecular consequence: missense variant.
Genome position (GRCh38, 1-based): chr15:84,858,229, G>T. VCF-style: chr15-84858229-G-T. GRCh37 (hg19) VCF-style: chr15-85401460-G-T.
Other names: short protein forms R1164L.
Identifiers: ClinVar variation 2116780 (VCV002116780.4), dbSNP rs1291790142, ClinGen allele CA393360364.

ClinVar aggregate classification (germline): Uncertain significance (1 of 4 stars; one submission).

Submission:

Labcorp Genetics (formerly Invitae), Labcorp
Classification: Uncertain significance. Last evaluated: 2022-03-25. Review status: criteria provided, single submitter. Criteria: Invitae Variant Classification Sherloc (09022015). Collection method: clinical testing. Allele origin: germline.
Comment: In summary, the available evidence is currently insufficient to determine the role of this variant in disease. Therefore, it has been classified as a Variant of Uncertain Significance. Algorithms developed to predict the effect of missense changes on protein structure and function are either unavailable or do not agree on the potential impact of this missense change (SIFT: "Deleterious"; PolyPhen-2: "Probably Damaging"; Align-GVGD: "Class C0"). This variant has not been reported in the literature in individuals affected with ALPK3-related conditions. This variant is not present in population databases (gnomAD no frequency). This sequence change replaces arginine, which is basic and polar, with leucine, which is neutral and non-polar, at codon 1366 of the ALPK3 protein (p.Arg1366Leu).